The following is an entry in ClinVar:

ClinVar aggregate classification (germline): Likely pathogenic. Review status: criteria provided, multiple submitters, no conflicts (2 of 4 stars). 3 submissions from 3 submitters: Likely pathogenic (3). Last evaluated 2024-10-15.

Conditions:
SLC12A3-related disorder. Also called: SLC12A3-related condition.
Familial hypokalemia-hypomagnesemia (GTLMNS). Also called: HYPOMAGNESEMIA-HYPOKALEMIA, PRIMARY RENOTUBULAR, WITH HYPOCALCIURIA; gitelman syndrome; POTASSIUM AND MAGNESIUM DEPLETION. Identifiers: Orphanet 358, MedGen C0268450, MONDO:0009904, OMIM 263800.

Submissions (3):

Natera, Inc.
Classification: Likely pathogenic for Gitelman syndrome. Last evaluated: 2024-10-15. Review status: criteria provided, single submitter. Criteria: Natera Variant Classification Schema (03/2026). Collection method: clinical testing. Allele origin: germline.
Comment: The c.601+1G>C variant in SLC12A3 is a canonical splice donor site variant predicted to affect pre-mRNA splicing, which may result in an abnormal transcript and altered protein product. This variant is expected to result in nonsense mediated decay, truncation, or a dysfunctional protein product. This variant is rare in the general population with a frequency below the threshold expected for the associated phenotype(s). Given the available evidence, this variant is classified as Likely Pathogenic.

Labcorp Genetics (formerly Invitae), Labcorp
Classification: Likely pathogenic. Last evaluated: 2023-11-17. Review status: criteria provided, single submitter. Criteria: Invitae Variant Classification Sherloc (09022015). Collection method: clinical testing. Allele origin: germline.
Comment: This sequence change affects a donor splice site in intron 4 of the SLC12A3 gene. It is expected to disrupt RNA splicing. Variants that disrupt the donor or acceptor splice site typically lead to a loss of protein function (PMID: 16199547), and loss-of-function variants in SLC12A3 are known to be pathogenic (PMID: 20848653, 22009145, 25841442). This variant is not present in population databases (gnomAD no frequency). This variant has not been reported in the literature in individuals affected with SLC12A3-related conditions. Algorithms developed to predict the effect of sequence changes on RNA splicing suggest that this variant may disrupt the consensus splice site. In summary, the currently available evidence indicates that the variant is pathogenic, but additional data are needed to prove that conclusively. Therefore, this variant has been classified as Likely Pathogenic.

Blueprint Genetics
Classification: Likely pathogenic for SLC12A3-related disorders. Last evaluated: 2023-10-02. Review status: criteria provided, single submitter. Criteria: ACMG Guidelines, 2015. Collection method: clinical testing. Allele origin: germline. Affected: yes. Observed: 2 variant alleles.

Literature cited by the submitters: PubMed 16199547 (cited by Labcorp Genetics (formerly Invitae), Labcorp); PubMed 20848653 (cited by Labcorp Genetics (formerly Invitae), Labcorp); PubMed 22009145 (cited by Labcorp Genetics (formerly Invitae), Labcorp); PubMed 25841442 (cited by Labcorp Genetics (formerly Invitae), Labcorp).

NM_001126108.2(SLC12A3):c.601+1G>C

Gene: SLC12A3 (solute carrier family 12 member 3; plus strand). Cytogenetic location: 16q13.
Variant type: single nucleotide variant.
Coding change: c.601+1G>C on transcript NM_001126108.2 (MANE Select); the canonical splice donor site of the intron after coding-DNA position 601, G replaced by C.
Molecular consequence: splice donor variant.
Genome position (GRCh38, 1-based): chr16:56,869,825, G>C. VCF-style: chr16-56869825-G-C. GRCh37 (hg19) VCF-style: chr16-56903737-G-C.
Other names: c.601+1G>C (NM_000339.2, NM_000339.3); c.598+1G>C (NM_001126107.2, NM_001410896.1).
Identifiers: ClinVar variation 2696611 (VCV002696611.5), dbSNP rs2543480108, ClinGen allele CA395981298.